The following is an entry in ClinVar:

ClinVar aggregate classification (germline): Uncertain significance (1 of 4 stars; one submission).

Submission:

Labcorp Genetics (formerly Invitae), Labcorp
Classification: Uncertain significance. Last evaluated: 2022-07-11. Review status: criteria provided, single submitter. Criteria: Invitae Variant Classification Sherloc (09022015). Collection method: clinical testing. Allele origin: germline.
Comment: In summary, the available evidence is currently insufficient to determine the role of this variant in disease. Therefore, it has been classified as a Variant of Uncertain Significance. Advanced modeling of protein sequence and biophysical properties (such as structural, functional, and spatial information, amino acid conservation, physicochemical variation, residue mobility, and thermodynamic stability) performed at Invitae indicates that this missense variant is not expected to disrupt COL11A1 protein function. ClinVar contains an entry for this variant (Variation ID: 1498068). This variant has not been reported in the literature in individuals affected with COL11A1-related conditions. This variant is not present in population databases (gnomAD no frequency). This sequence change replaces alanine, which is neutral and non-polar, with valine, which is neutral and non-polar, at codon 232 of the COL11A1 protein (p.Ala232Val).

NM_001854.4(COL11A1):c.695C>T (p.Ala232Val)

Gene: COL11A1 (collagen type XI alpha 1 chain; minus strand). Cytogenetic location: 1p21.1.
Variant type: single nucleotide variant.
Coding change: c.695C>T on transcript NM_001854.4 (MANE Select); coding-DNA position 695, C replaced by T.
Protein change: p.Ala232Val; replaces alanine 232 with valine.
Molecular consequence: missense variant. On other transcripts: non-coding transcript variant (1).
Genome position (GRCh38, 1-based): chr1:103,031,201, G>A on the plus strand (C>T on the coding strand, the complement: COL11A1 is on the minus strand). VCF-style: chr1-103031201-G-A. GRCh37 (hg19) VCF-style: chr1-103496757-G-A.
Other names: c.695C>T, p.Ala232Val (NM_001190709.2, NM_080629.3, NM_080630.4); short protein forms A232V.
Identifiers: ClinVar variation 1498068 (VCV001498068.6), dbSNP rs2101995475, ClinGen allele CA341159818.
Genomic context (GRCh38, chr1:103,031,201, plus strand): 5'-TGAGCAGCCTTGGGTGCTGAAGAGTCACAGTCTGGACTATAATGCTCACAGTAGTCATAT[G>A]CTGCCTTGGGATCACCTGTGATCAAAAACTGCTGAATGTCCCCCTGGGAAAAAAAAAAAA-3'
Protein context (NP_001845.3, residues 222-242): QFLITGDPKA[Ala232Val]YDYCEHYSPD